The following is an entry in ClinVar:

ClinVar aggregate classification (germline): Uncertain significance. Review status: criteria provided, multiple submitters, no conflicts (2 of 4 stars). 2 submissions from 2 submitters: Uncertain significance (2). Last evaluated 2025-03-16.

Conditions:
Developmental and epileptic encephalopathy, 43 (DEE43). Also called: Epileptic encephalopathy, early infantile, 43. Identifiers: MedGen C4310712, MONDO:0014921, OMIM 617113.
Epilepsy, childhood absence, susceptibility to, 5. Identifiers: Orphanet 64280, MedGen C2677087, MONDO:0012843, OMIM 612269.
Epilepsy, childhood absence, susceptibility to, 1. Also called: Epilepsy, childhood absence 1. Identifiers: Orphanet 64280, MedGen C1838604, MONDO:0020759, OMIM 600131.

gnomAD v4.1: 2 of 1,613,958 alleles (0.00012%); highest among the groups gnomAD compares: Admixed American, 0.0017%; no homozygotes.

Submissions (2):

Labcorp Genetics (formerly Invitae), Labcorp
Classification: Uncertain significance for Epilepsy, childhood absence, susceptibility to, 5; Epilepsy, childhood absence, susceptibility to, 1. Last evaluated: 2025-03-16. Review status: criteria provided, single submitter. Criteria: Invitae Variant Classification Sherloc (09022015). Collection method: clinical testing. Allele origin: germline.
Comment: This sequence change replaces arginine, which is basic and polar, with histidine, which is basic and polar, at codon 142 of the GABRB3 protein (p.Arg142His). This variant is present in population databases (no rsID available, gnomAD 0.003%). This missense change has been observed in individual(s) with autism (PMID: 35982159). Invitae Evidence Modeling of protein sequence and biophysical properties (such as structural, functional, and spatial information, amino acid conservation, physicochemical variation, residue mobility, and thermodynamic stability) indicates that this missense variant is expected to disrupt GABRB3 protein function with a positive predictive value of 95%. In summary, the available evidence is currently insufficient to determine the role of this variant in disease. Therefore, it has been classified as a Variant of Uncertain Significance.

Center of Human Genetics, Hôpital Erasme
Classification: Uncertain significance for Developmental and epileptic encephalopathy, 43. Last evaluated: 2025-01-01. Review status: criteria provided, single submitter. Criteria: ACMG Guidelines, 2015. Collection method: clinical testing. Allele origin: de novo. Affected: yes.

Literature cited by the submitters: PubMed 35982159 (cited by Labcorp Genetics (formerly Invitae), Labcorp).

NM_000814.6(GABRB3):c.425G>A (p.Arg142His)

Gene: GABRB3 (gamma-aminobutyric acid type A receptor subunit beta3; minus strand). Cytogenetic location: 15q12.
Variant type: single nucleotide variant.
Coding change: c.425G>A on transcript NM_000814.6 (MANE Select); coding-DNA position 425, G replaced by A.
Protein change: p.Arg142His; replaces arginine 142 with histidine.
Molecular consequence: missense variant. On other transcripts: non-coding transcript variant (1).
Genome position (GRCh38, 1-based): chr15:26,621,350, C>T on the plus strand (G>A on the coding strand, the complement: GABRB3 is on the minus strand). VCF-style: chr15-26621350-C-T. GRCh37 (hg19) VCF-style: chr15-26866497-C-T.
Other names: c.170G>A, p.Arg57His (NM_001191320.2, NM_001278631.2); c.212G>A, p.Arg71His (NM_001191321.3); c.425G>A, p.Arg142His (NM_021912.5); short protein forms R142H, R57H, R71H.
Identifiers: ClinVar variation 3897829 (VCV003897829.2).
Genomic context (GRCh38, chr15:26,621,350, plus strand): 5'-TTGGTCCTGAAGAGGCACACAGACCTGAGCCCATACAGCACTGTCCCATCAGGGTGAAGA[C>T]GGATCATGCGGTTTTTCACTGTCACTCCATGCACAAATGACTTTTTGTCATTTAAGAAAT-3'
Protein context (NP_000805.1, residues 132-152): HGVTVKNRMI[Arg142His]LHPDGTVLYG